The following is an entry in ClinVar:

ClinVar aggregate classification (germline): Uncertain significance. Review status: criteria provided, multiple submitters, no conflicts (2 of 4 stars). 2 submissions from 2 submitters: Uncertain significance (2). Last evaluated 2023-10-03.

Conditions:
Endocrine-cerebro-osteodysplasia syndrome. Identifiers: Orphanet 199332, MedGen C2675227, MONDO:0012980, OMIM 612651.

Allele frequency attached by ClinVar (database versions not stated): ExAC 0.00012; gnomAD exomes 0.00013; gnomAD 0.00014 and 0.00015; TOPMed 0.00014; ESP Exome Variant Server 0.00015.

Submissions (2):

Department of Pathology and Laboratory Medicine, Sinai Health System
Classification: Uncertain significance for endocrine-cerebro-osteodysplasia syndrome. Last evaluated: 2023-10-03. Review status: criteria provided, single submitter. Criteria: ACMG Guidelines, 2015. Collection method: research. Allele origin: germline.

Labcorp Genetics (formerly Invitae), Labcorp
Classification: Uncertain significance. Last evaluated: 2022-10-18. Review status: criteria provided, single submitter. Criteria: Invitae Variant Classification Sherloc (09022015). Collection method: clinical testing. Allele origin: germline.
Comment: This sequence change replaces methionine, which is neutral and non-polar, with isoleucine, which is neutral and non-polar, at codon 106 of the ICK protein (p.Met106Ile). This variant is present in population databases (rs367563342, gnomAD 0.02%). This variant has not been reported in the literature in individuals affected with ICK-related conditions. ClinVar contains an entry for this variant (Variation ID: 1680569). Advanced modeling of protein sequence and biophysical properties (such as structural, functional, and spatial information, amino acid conservation, physicochemical variation, residue mobility, and thermodynamic stability) performed at Invitae indicates that this missense variant is not expected to disrupt ICK protein function. In summary, the available evidence is currently insufficient to determine the role of this variant in disease. Therefore, it has been classified as a Variant of Uncertain Significance.

NM_014920.5(CILK1):c.318G>C (p.Met106Ile)

Gene: CILK1 (ciliogenesis associated kinase 1; minus strand). Cytogenetic location: 6p12.1.
Variant type: single nucleotide variant.
Coding change: c.318G>C on transcript NM_014920.5 (MANE Select); coding-DNA position 318, G replaced by C.
Protein change: p.Met106Ile; replaces methionine 106 with isoleucine.
Molecular consequence: missense variant. On other transcripts: non-coding transcript variant (1).
Genome position (GRCh38, 1-based): chr6:53,031,105, C>G on the plus strand (G>C on the coding strand, the complement: CILK1 is on the minus strand). VCF-style: chr6-53031105-C-G. GRCh37 (hg19) VCF-style: chr6-52895903-C-G.
Other names: c.318G>C, p.Met106Ile (NM_001375397.1, NM_001375398.1, NM_001375399.1 and 4 more transcripts); short protein forms M106I.
Identifiers: ClinVar variation 1680569 (VCV001680569.4), dbSNP rs367563342, ClinGen allele CA3858837.